The following is an entry in ClinVar:

NM_025179.4(PLXNA2):c.3930A>G (p.Ser1310=)

Gene: PLXNA2 (plexin A2; minus strand). Cytogenetic location: 1q32.2.
Variant type: single nucleotide variant.
Coding change: c.3930A>G on transcript NM_025179.4 (MANE Select); coding-DNA position 3930, A replaced by G.
Protein change: p.Ser1310=; no amino-acid change (serine 1310 retained).
Molecular consequence: synonymous variant.
Genome position (GRCh38, 1-based): chr1:208,043,148, T>C on the plus strand (A>G on the coding strand, the complement: PLXNA2 is on the minus strand). VCF-style: chr1-208043148-T-C. GRCh37 (hg19) VCF-style: chr1-208216493-T-C.
Identifiers: ClinVar variation 3355367 (VCV003355367.1).

ClinVar aggregate classification (germline): Likely benign (0 of 4 stars; one submission).

Conditions:
PLXNA2-related disorder. Also called: PLXNA2-related condition.

gnomAD v4.1: 2 of 1,614,178 alleles (0.00012%); highest among the groups gnomAD compares: Admixed American, 0.0017%; no homozygotes.

Submission:

PreventionGenetics, part of Exact Sciences
Classification: Likely benign for PLXNA2-related condition. Last evaluated: 2023-11-22. Review status: no assertion criteria provided. Collection method: clinical testing. Allele origin: germline.
Comment: This variant is classified as likely benign based on ACMG/AMP sequence variant interpretation guidelines (Richards et al. 2015 PMID: 25741868, with internal and published modifications).